The following is an entry in ClinVar:

ClinVar aggregate classification (germline): Pathogenic. Review status: criteria provided, multiple submitters, no conflicts (2 of 4 stars). 2 submissions from 2 submitters: Pathogenic (2). Last evaluated 2023-11-21.

Conditions:
KIT-related disorder. Also called: KIT-related condition.
Gastrointestinal stromal tumor. Also called: Gastrointestinal stromal tumor, somatic; Gastrointestinal stroma tumor. Identifiers: Orphanet 44890, MedGen C0238198, MeSH D046152, MONDO:0011719, OMIM 606764, HP:0100723.

Submissions (2):

Rady Children's Institute for Genomic Medicine, Rady Children's Hospital San Diego
Classification: Pathogenic for KIT-related disorders. Last evaluated: 2023-11-21. Review status: criteria provided, single submitter. Criteria: ACMG Guidelines, 2015. Collection method: clinical testing. Allele origin: germline. Affected: yes.
Comment: This nonsense variant found in exon 3 of 21 is predicted to result in loss of normal protein function through either protein truncation or nonsense-mediated mRNA decay. Loss-of-function variation in KIT is an established mechanism of disease (PMID: 15194144, 22670867). This variant has not been previously reported or functionally characterized in the literature to our knowledge. The c.568C>T (p.Gln190Ter) variant is absent from the gnomAD population database and thus is presumed to be rare. Based on the available evidence, c.568C>T (p.Gln190Ter) is classified as Pathogenic.

Labcorp Genetics (formerly Invitae), Labcorp
Classification: Pathogenic for Gastrointestinal stromal tumor. Last evaluated: 2021-10-31. Review status: criteria provided, single submitter. Criteria: Invitae Variant Classification Sherloc (09022015). Collection method: clinical testing. Allele origin: germline.
Comment: For these reasons, this variant has been classified as Pathogenic. ClinVar contains an entry for this variant (Variation ID: 949598). This variant has not been reported in the literature in individuals affected with KIT-related conditions. This variant is not present in population databases (gnomAD no frequency). This sequence change creates a premature translational stop signal (p.Gln190*) in the KIT gene. It is expected to result in an absent or disrupted protein product. Loss-of-function variants in KIT are known to be pathogenic (PMID: 15194144).

Literature cited by the submitters: PubMed 15194144 (cited by Rady Children's Institute for Genomic Medicine, Rady Children's Hospital San Diego and Labcorp Genetics (formerly Invitae), Labcorp); 22670867 (cited by Rady Children's Institute for Genomic Medicine, Rady Children's Hospital San Diego).

NM_000222.3(KIT):c.568C>T (p.Gln190Ter)

Gene: KIT (KIT proto-oncogene, receptor tyrosine kinase; plus strand). Cytogenetic location: 4q12.
Variant type: single nucleotide variant.
Coding change: c.568C>T on transcript NM_000222.3 (MANE Select); coding-DNA position 568, C replaced by T.
Protein change: p.Gln190Ter; replaces glutamine 190 with a stop codon.
Molecular consequence: nonsense.
Genome position (GRCh38, 1-based): chr4:54,698,514, C>T. VCF-style: chr4-54698514-C-T. GRCh37 (hg19) VCF-style: chr4-55564680-C-T.
Other names: c.568C>T, p.Gln190Ter (NM_001093772.2, NM_001385284.1, NM_001385285.1 and 4 more transcripts); short protein forms Q190*.
Identifiers: ClinVar variation 949598 (VCV000949598.9), dbSNP rs1720236510, ClinGen allele CA356897966.